The following is an entry in ClinVar:

NM_001776.6(ENTPD1):c.706G>T (p.Ala236Ser)

Genes: ENTPD1 (ectonucleoside triphosphate diphosphohydrolase 1; plus strand), ENTPD1-AS1 (ENTPD1 antisense RNA 1; minus strand). Cytogenetic location: 10q24.1.
Variant type: single nucleotide variant.
Coding change: c.706G>T on transcript NM_001776.6 (MANE Select); coding-DNA position 706, G replaced by T.
Protein change: p.Ala236Ser; replaces alanine 236 with serine.
Molecular consequence: missense variant.
Genome position (GRCh38, 1-based): chr10:95,845,489, G>T. VCF-style: chr10-95845489-G-T. GRCh37 (hg19) VCF-style: chr10-97605246-G-T.
Other names: c.727G>T, p.Ala243Ser (NM_001098175.2); c.742G>T, p.Ala248Ser (NM_001164178.1, NM_001320916.1); c.706G>T, p.Ala236Ser (NM_001164179.2); c.382G>T, p.Ala128Ser (NM_001164181.1, NM_001312654.1); c.292G>T, p.Ala98Ser (NM_001164182.2, NM_001164183.2); short protein forms A243S, A248S, A98S, A128S, A236S.
Identifiers: ClinVar variation 2315420 (VCV002315420.17), dbSNP rs761933051, ClinGen allele CA212154705.
Genomic context (GRCh38, chr10:95,845,489, plus strand): 5'-GGAGCCTCTACACAAGTCACTTTTGTACCCCAAAACCAGACTATCGAGTCCCCAGATAAT[G>T]CTCTGCAATTTCGCCTCTATGGCAAGGACTACAATGTCTACACACATAGCTTCTTGTGCT-3'
Protein context (NP_001767.3, residues 226-246): QNQTIESPDN[Ala236Ser]LQFRLYGKDY

ClinVar aggregate classification (germline): Uncertain significance. Review status: criteria provided, multiple submitters, no conflicts (2 of 4 stars). 2 submissions from 2 submitters: Uncertain significance (2). Last evaluated 2024-12-02.

Conditions:
Inborn genetic diseases. Identifiers: MedGen C0950123, MeSH D030342.

Allele frequency attached by ClinVar (database versions not stated): gnomAD exomes 0.00002; gnomAD 0.00005.
gnomAD v4.1: 36 of 1,614,062 alleles (0.0022%); highest among the groups gnomAD compares: Non-Finnish European, 0.0029%; no homozygotes.

Submissions (2):

Ambry Genetics
Classification: Uncertain significance for Inborn genetic diseases. Last evaluated: 2024-12-02. Review status: criteria provided, single submitter. Criteria: Ambry Variant Classification Scheme 2023. Collection method: clinical testing. Allele origin: germline.

CeGaT Center for Human Genetics Tuebingen
Classification: Uncertain significance. Last evaluated: 2024-10-01. Review status: criteria provided, single submitter. Criteria: CeGaT Center For Human Genetics Tuebingen Variant Classification Criteria Version 2. Collection method: clinical testing. Allele origin: germline. Affected: yes. Observed: 1 variant allele.
Comment: ENTPD1: PM2, BP4